The following is an entry in ClinVar:

NM_003072.5(SMARCA4):c.1432A>T (p.Ser478Cys)

Gene: SMARCA4 (SWI/SNF related BAF chromatin remodeling complex subunit ATPase 4; plus strand). Cytogenetic location: 19p13.2.
Variant type: single nucleotide variant.
Coding change: c.1432A>T on transcript NM_003072.5 (MANE Select); coding-DNA position 1432, A replaced by T.
Protein change: p.Ser478Cys; replaces serine 478 with cysteine.
Molecular consequence: missense variant. On other transcripts: non-coding transcript variant (1).
Genome position (GRCh38, 1-based): chr19:10,994,840, A>T. VCF-style: chr19-10994840-A-T. GRCh37 (hg19) VCF-style: chr19-11105516-A-T.
Other names: c.1432A>T, p.Ser478Cys (NM_001128844.3, NM_001128845.2, NM_001128846.2 and 5 more transcripts); short protein forms S478C.
Identifiers: ClinVar variation 537802 (VCV000537802.8), dbSNP rs1555761983, ClinGen allele CA404061967.

ClinVar aggregate classification (germline): Uncertain significance (1 of 4 stars; one submission).

Conditions:
Rhabdoid tumor predisposition syndrome 2 (RTPS2). Identifiers: Orphanet 231108, Orphanet 69077, MedGen C2750074, MONDO:0013224, OMIM 613325.

Submission:

Labcorp Genetics (formerly Invitae), Labcorp
Classification: Uncertain significance for Rhabdoid tumor predisposition syndrome 2. Last evaluated: 2017-08-17. Review status: criteria provided, single submitter. Criteria: Invitae Variant Classification Sherloc (09022015). Collection method: clinical testing. Allele origin: germline.
Comment: In summary, the available evidence is currently insufficient to determine the role of this variant in disease. Therefore, it has been classified as a Variant of Uncertain Significance. Algorithms developed to predict the effect of missense changes on protein structure and function do not agree on the potential impact of this missense change (SIFT: "Deleterious"; PolyPhen-2: "Benign"; Align-GVGD: "Class C65"). This variant has not been reported in the literature in individuals with SMARCA4-related disease. This variant is not present in population databases (ExAC no frequency). This sequence change replaces serine with cysteine at codon 478 of the SMARCA4 protein (p.Ser478Cys). The serine residue is highly conserved and there is a moderate physicochemical difference between serine and cysteine.